The following is an entry in ClinVar:

NM_173628.4(DNAH17):c.7900+1G>T

Gene: DNAH17 (dynein axonemal heavy chain 17; minus strand). Cytogenetic location: 17q25.3.
Variant type: single nucleotide variant.
Coding change: c.7900+1G>T on transcript NM_173628.4 (MANE Select); the canonical splice donor site of the intron after coding-DNA position 7900, G replaced by T.
Molecular consequence: splice donor variant.
Genome position (GRCh38, 1-based): chr17:78,479,484, C>A on the plus strand (G>T on the coding strand, the complement: DNAH17 is on the minus strand). VCF-style: chr17-78479484-C-A. GRCh37 (hg19) VCF-style: chr17-76475566-C-A.
Identifiers: ClinVar variation 4540404 (VCV004540404.1).

ClinVar aggregate classification (germline): Likely pathogenic (1 of 4 stars; one submission).

Conditions:
Spermatogenic failure 39. Identifiers: MedGen C5231438, MONDO:0032845, OMIM 618643.

gnomAD v4.1: 5 of 1,610,060 alleles (0.00031%); highest among the groups gnomAD compares: Admixed American, 0.0017%; no homozygotes.

Submission:

MVZ Medizinische Genetik Mainz
Classification: Likely pathogenic for Spermatogenic failure 39. Last evaluated: 2025-12-15. Review status: criteria provided, single submitter. Criteria: UK Practice Guidelines For Variant Classification V4 01 2020. Collection method: clinical testing. Allele origin: germline. Inheritance: Autosomal recessive inheritance. Affected: yes. Observed: 1 variant allele.
Comment: ACMG Criteria: PVS1,PM2_SUP